The following is an entry in ClinVar:

ClinVar aggregate classification (germline): Pathogenic (1 of 4 stars; one submission).

Conditions:
Multiple mitochondrial dysfunctions syndrome 1 (MMDS1). Identifiers: Orphanet 401869, MedGen C3276432, MONDO:0011582, OMIM 605711.

Submission:

Labcorp Genetics (formerly Invitae), Labcorp
Classification: Pathogenic for Multiple mitochondrial dysfunctions syndrome 1. Last evaluated: 2024-09-10. Review status: criteria provided, single submitter. Criteria: Invitae Variant Classification Sherloc (09022015). Collection method: clinical testing. Allele origin: germline.
Comment: This sequence change creates a premature translational stop signal (p.Val170Trpfs*3) in the NFU1 gene. It is expected to result in an absent or disrupted protein product. Loss-of-function variants in NFU1 are known to be pathogenic (PMID: 25758857, 28470589, 28803783). This variant is not present in population databases (gnomAD no frequency). This variant has not been reported in the literature in individuals affected with NFU1-related conditions. Algorithms developed to predict the effect of sequence changes on RNA splicing suggest that this variant may disrupt the consensus splice site. For these reasons, this variant has been classified as Pathogenic.

Literature cited by the submitters: PubMed 25758857; PubMed 28470589; PubMed 28803783.

NM_001002755.4(NFU1):c.507del (p.Val170fs)

Gene: NFU1 (NFU1 iron-sulfur cluster scaffold; minus strand). Cytogenetic location: 2p13.3.
Variant type: Deletion.
Coding change: c.507del on transcript NM_001002755.4 (MANE Select); coding-DNA position 507, one base deleted (T; older notation c.507delT).
Protein change: p.Val170fs; shifts the reading frame from valine 170.
Molecular consequence: frameshift variant. On other transcripts: non-coding transcript variant (2).
Genome position (GRCh38, 1-based): chr2:69,406,060, A deleted on the plus strand (T on the coding strand, the reverse complement: NFU1 is on the minus strand); the first of 2 consecutive A bases (chr2:69,406,060-69,406,061); deleting either gives the same sequence. VCF-style (leftmost placement, unchanged base first): chr2-69406059-CA-C. GRCh37 (hg19) VCF-style: chr2-69633191-CA-C.
Other names: c.84del, p.Val29fs (NM_001002756.2); c.435del, p.Val146fs (NM_001374284.1, NM_015700.4); short protein forms V146fs, V170fs, V29fs.
Identifiers: ClinVar variation 3730503 (VCV003730503.2).